The following is an entry in ClinVar:

ClinVar aggregate classification (germline): Likely benign (1 of 4 stars; one submission).

Allele frequency attached by ClinVar (database versions not stated): ExAC 0.00002; 1000 Genomes Project 30x 0.00016; 1000 Genomes Project 0.00020; TOPMed below 0.00001; gnomAD 0.00001.
gnomAD v4.1: 25 of 1,612,964 alleles (0.0015%); highest among the groups gnomAD compares: South Asian, 0.0088%; no homozygotes.

Submission:

CeGaT Center for Human Genetics Tuebingen
Classification: Likely benign. Last evaluated: 2024-06-01. Review status: criteria provided, single submitter. Criteria: CeGaT Center For Human Genetics Tuebingen Variant Classification Criteria Version 2. Collection method: clinical testing. Allele origin: germline. Affected: yes. Observed: 1 variant allele.
Comment: ADAMTS3: BP4, BP7

NM_014243.3(ADAMTS3):c.1200G>A (p.Thr400=)

Gene: ADAMTS3 (ADAM metallopeptidase with thrombospondin type 1 motif 3; minus strand). Cytogenetic location: 4q13.3.
Variant type: single nucleotide variant.
Coding change: c.1200G>A on transcript NM_014243.3 (MANE Select); coding-DNA position 1200, G replaced by A.
Protein change: p.Thr400=; no amino-acid change (threonine 400 retained).
Molecular consequence: synonymous variant.
Genome position (GRCh38, 1-based): chr4:72,319,866, C>T on the plus strand (G>A on the coding strand, the complement: ADAMTS3 is on the minus strand). VCF-style: chr4-72319866-C-T. GRCh37 (hg19) VCF-style: chr4-73185583-C-T.
Identifiers: ClinVar variation 3250823 (VCV003250823.18), dbSNP rs546543594.
Genomic context (GRCh38, chr4:72,319,866, plus strand): 5'-GCAGGAAAGAAAAGATCTTTTTTTGGCTTTATAGCTGTCAGCAGTGACTTACACATGGCC[C>T]GTTTCATGGGCTACTACAAAAGCAGATGAAAAACCATCCTCATGATTCAGGGTACAACTT-3'
Protein context (NP_055058.2, residues 390-410): FSSAFVVAHE[Thr400=]GHVLGMEHDG